The following is an entry in ClinVar:

NM_000751.3(CHRND):c.1237C>T (p.Arg413Cys)

Gene: CHRND (cholinergic receptor nicotinic delta subunit; plus strand). Cytogenetic location: 2q37.1.
Variant type: single nucleotide variant.
Coding change: c.1237C>T on transcript NM_000751.3 (MANE Select); coding-DNA position 1237, C replaced by T.
Protein change: p.Arg413Cys; replaces arginine 413 with cysteine.
Molecular consequence: missense variant.
Genome position (GRCh38, 1-based): chr2:232,534,120, C>T. VCF-style: chr2-232534120-C-T. GRCh37 (hg19) VCF-style: chr2-233398830-C-T.
Other names: c.1192C>T, p.Arg398Cys (NM_001256657.2); c.655C>T, p.Arg219Cys (NM_001311195.2); c.934C>T, p.Arg312Cys (NM_001311196.2); short protein forms R413C, R398C, R219C, R312C.
Identifiers: ClinVar variation 575523 (VCV000575523.9), dbSNP rs1242056715, ClinGen allele CA351005317.

ClinVar aggregate classification (germline): Uncertain significance. Review status: criteria provided, multiple submitters, no conflicts (2 of 4 stars). 2 submissions from 2 submitters: Uncertain significance (2). Last evaluated 2025-11-27.

Conditions:
Lethal multiple pterygium syndrome (LMPS). Identifiers: Orphanet 33108, MedGen C1854678, MONDO:0009668, OMIM 253290.

Allele frequency attached by ClinVar (database versions not stated): gnomAD exomes below 0.00001; gnomAD 0.00001; TOPMed 0.00002.
gnomAD v4.1: 19 of 1,613,972 alleles (0.0012%); highest among the groups gnomAD compares: East Asian, 0.0045%; no homozygotes.

Submissions (2):

Labcorp Genetics (formerly Invitae), Labcorp
Classification: Uncertain significance for Lethal multiple pterygium syndrome. Last evaluated: 2025-11-27. Review status: criteria provided, single submitter. Criteria: Invitae Variant Classification Sherloc (09022015). Collection method: clinical testing. Allele origin: germline.
Comment: This sequence change replaces arginine, which is basic and polar, with cysteine, which is neutral and slightly polar, at codon 413 of the CHRND protein (p.Arg413Cys). This variant is present in population databases (no rsID available, gnomAD 0.003%). This variant has not been reported in the literature in individuals affected with CHRND-related conditions. ClinVar contains an entry for this variant (Variation ID: 575523). Invitae Evidence Modeling of protein sequence and biophysical properties (such as structural, functional, and spatial information, amino acid conservation, physicochemical variation, residue mobility, and thermodynamic stability) has been performed for this missense variant. However, the output from this modeling did not meet the statistical confidence thresholds required to predict the impact of this variant on CHRND protein function. Algorithms developed to predict the effect of sequence changes on RNA splicing suggest that this variant may disrupt the consensus splice site. In summary, the available evidence is currently insufficient to determine the role of this variant in disease. Therefore, it has been classified as a Variant of Uncertain Significance.

Revvity Omics, Revvity
Classification: Uncertain significance. Last evaluated: 2025-02-06. Review status: criteria provided, single submitter. Criteria: ACMG Guidelines, 2015. Collection method: clinical testing. Allele origin: germline.